The following is an entry in ClinVar:

ClinVar aggregate classification (germline): Uncertain significance (1 of 4 stars; one submission).

Allele frequency attached by ClinVar (database versions not stated): ESP Exome Variant Server 0.00008.
gnomAD v4.1: 20 of 1,612,688 alleles (0.0012%); highest among the groups gnomAD compares: South Asian, 0.0055%; no homozygotes.

Submission:

Labcorp Genetics (formerly Invitae), Labcorp
Classification: Uncertain significance. Last evaluated: 2022-04-28. Review status: criteria provided, single submitter. Criteria: Invitae Variant Classification Sherloc (09022015). Collection method: clinical testing. Allele origin: germline.
Comment: This sequence change replaces alanine, which is neutral and non-polar, with threonine, which is neutral and polar, at codon 147 of the SLC38A8 protein (p.Ala147Thr). This variant is not present in population databases (gnomAD no frequency). This variant has not been reported in the literature in individuals affected with SLC38A8-related conditions. Algorithms developed to predict the effect of missense changes on protein structure and function output the following: SIFT: "Tolerated"; PolyPhen-2: "Benign"; Align-GVGD: "Class C0". The threonine amino acid residue is found in multiple mammalian species, which suggests that this missense change does not adversely affect protein function. In summary, the available evidence is currently insufficient to determine the role of this variant in disease. Therefore, it has been classified as a Variant of Uncertain Significance.

NM_001080442.3(SLC38A8):c.439G>A (p.Ala147Thr)

Gene: SLC38A8 (solute carrier family 38 member 8; minus strand). Cytogenetic location: 16q23.3.
Variant type: single nucleotide variant.
Coding change: c.439G>A on transcript NM_001080442.3 (MANE Select); coding-DNA position 439, G replaced by A.
Protein change: p.Ala147Thr; replaces alanine 147 with threonine.
Molecular consequence: missense variant.
Genome position (GRCh38, 1-based): chr16:84,033,419, C>T on the plus strand (G>A on the coding strand, the complement: SLC38A8 is on the minus strand). VCF-style: chr16-84033419-C-T. GRCh37 (hg19) VCF-style: chr16-84067024-C-T.
Other names: short protein forms A147T.
Identifiers: ClinVar variation 2087269 (VCV002087269.1), dbSNP rs372136243, ClinGen allele CA285459407.